The following is an entry in ClinVar:

ClinVar aggregate classification (germline): Uncertain significance (1 of 4 stars; one submission).

Conditions:
Bardet-Biedl syndrome (BBS). Identifiers: Orphanet 110, MedGen C0752166, MONDO:0015229.

Allele frequency attached by ClinVar (database versions not stated): gnomAD exomes below 0.00001; TOPMed below 0.00001.
gnomAD v4.1: 2 of 1,614,118 alleles (0.00012%); highest among the groups gnomAD compares: Admixed American, 0.0017%; no homozygotes.

Submission:

Labcorp Genetics (formerly Invitae), Labcorp
Classification: Uncertain significance for Bardet-Biedl syndrome. Last evaluated: 2022-06-13. Review status: criteria provided, single submitter. Criteria: Invitae Variant Classification Sherloc (09022015). Collection method: clinical testing. Allele origin: germline.
Comment: In summary, the available evidence is currently insufficient to determine the role of this variant in disease. Therefore, it has been classified as a Variant of Uncertain Significance. Algorithms developed to predict the effect of missense changes on protein structure and function (SIFT, PolyPhen-2, Align-GVGD) all suggest that this variant is likely to be disruptive. This variant has not been reported in the literature in individuals affected with BBS9-related conditions. This variant is not present in population databases (gnomAD no frequency). This sequence change replaces aspartic acid, which is acidic and polar, with histidine, which is basic and polar, at codon 21 of the BBS9 protein (p.Asp21His).

NM_198428.3(BBS9):c.61G>C (p.Asp21His)

Gene: BBS9 (Bardet-Biedl syndrome 9; plus strand). Cytogenetic location: 7p14.3.
Variant type: single nucleotide variant.
Coding change: c.61G>C on transcript NM_198428.3 (MANE Select); coding-DNA position 61, G replaced by C.
Protein change: p.Asp21His; replaces aspartic acid 21 with histidine.
Molecular consequence: missense variant. On other transcripts: 5 prime UTR variant (3), non-coding transcript variant (3), intron variant (4).
Genome position (GRCh38, 1-based): chr7:33,146,313, G>C. VCF-style: chr7-33146313-G-C. GRCh37 (hg19) VCF-style: chr7-33185925-G-C.
Other names: c.61G>C, p.Asp21His (NM_001033604.2, NM_001033605.2, NM_001348036.1 and 7 more transcripts); c.-241G>C (NM_001348037.3); c.-217G>C (NM_001348038.3, NM_001348039.3); c.-23-6388G>C (NM_001348042.3); c.-189-6388G>C (NM_001348045.3); c.-39+16272G>C (NM_001348046.3, NM_001348044.3); short protein forms D21H.
Identifiers: ClinVar variation 1960921 (VCV001960921.3), dbSNP rs1792334104, ClinGen allele CA367189344.
Genomic context (GRCh38, chr7:33,146,313, plus strand): 5'-ATGTCTTTATTTAAAGCCCGTGATTGGTGGTCTACTATTCTGGGAGATAAAGAAGAATTT[G>C]ATCAAGGCTGTTTGTGTCTGGCTAATGTTGACAATAGTGGAAATGGACAAGGTAAGCAAC-3'
Protein context (NP_940820.1, residues 11-31): STILGDKEEF[Asp21His]QGCLCLANVD